The following is an entry in ClinVar:

NM_004184.4(WARS1):c.1306G>A (p.Glu436Lys)

Gene: WARS1 (tryptophanyl-tRNA synthetase 1; minus strand). Cytogenetic location: 14q32.2.
Variant type: single nucleotide variant.
Coding change: c.1306G>A on transcript NM_004184.4 (MANE Select); coding-DNA position 1306, G replaced by A.
Protein change: p.Glu436Lys; replaces glutamic acid 436 with lysine.
Molecular consequence: missense variant.
Genome position (GRCh38, 1-based): chr14:100,334,985, C>T on the plus strand (G>A on the coding strand, the complement: WARS1 is on the minus strand). VCF-style: chr14-100334985-C-T. GRCh37 (hg19) VCF-style: chr14-100801322-C-T.
Other names: c.1306G>A, p.Glu436Lys (NM_173701.2); c.1183G>A, p.Glu395Lys (NM_213645.2, NM_213646.2); short protein forms E395K, E436K.
Identifiers: ClinVar variation 2581995 (VCV002581995.1), dbSNP rs2549222113, ClinGen allele CA390979144.

ClinVar aggregate classification (germline): Uncertain significance (1 of 4 stars; one submission).

gnomAD v4.1: 5 of 1,614,200 alleles (0.00031%); highest among the groups gnomAD compares: Non-Finnish European, 0.00042%; no homozygotes.

Submission:

GeneDx
Classification: Uncertain significance. Last evaluated: 2023-03-28. Review status: criteria provided, single submitter. Criteria: GeneDx Variant Classification Process June 2021. Collection method: clinical testing. Allele origin: germline. Affected: yes.
Comment: Not observed at significant frequency in large population cohorts (gnomAD); In silico analysis supports that this missense variant does not alter protein structure/function; Has not been previously published as pathogenic or benign to our knowledge